The following is an entry in ClinVar:

NM_002168.4(IDH2):c.662T>C (p.Met221Thr)

Gene: IDH2 (isocitrate dehydrogenase (NADP(+)) 2; minus strand). Cytogenetic location: 15q26.1.
Variant type: single nucleotide variant.
Coding change: c.662T>C on transcript NM_002168.4 (MANE Select); coding-DNA position 662, T replaced by C.
Protein change: p.Met221Thr; replaces methionine 221 with threonine.
Molecular consequence: missense variant.
Genome position (GRCh38, 1-based): chr15:90,088,375, A>G on the plus strand (T>C on the coding strand, the complement: IDH2 is on the minus strand). VCF-style: chr15-90088375-A-G. GRCh37 (hg19) VCF-style: chr15-90631607-A-G.
Other names: c.506T>C, p.Met169Thr (NM_001289910.1); c.272T>C, p.Met91Thr (NM_001290114.2); short protein forms M221T, M169T, M91T.
Identifiers: ClinVar variation 1043109 (VCV001043109.10), dbSNP rs376694064, ClinGen allele CA7733117.

ClinVar aggregate classification (germline): Uncertain significance. Review status: criteria provided, multiple submitters, no conflicts (2 of 4 stars). 2 submissions from 2 submitters: Uncertain significance (2). Last evaluated 2023-04-24.

Conditions:
D-2-hydroxyglutaric aciduria 2 (D2HGA2). Identifiers: Orphanet 79315, MedGen C3150909, MONDO:0013345, OMIM 613657.

Allele frequency attached by ClinVar (database versions not stated): ExAC 0.00001; gnomAD 0.00001; TOPMed 0.00001; ESP Exome Variant Server 0.00008.
gnomAD v4.1: 1 of 1,613,814 alleles (0.000062%); highest among the groups gnomAD compares: African/African-American, 0.0013%; no homozygotes.

Submissions (2):

Labcorp Genetics (formerly Invitae), Labcorp
Classification: Uncertain significance for D-2-hydroxyglutaric aciduria 2. Last evaluated: 2023-04-24. Review status: criteria provided, single submitter. Criteria: Invitae Variant Classification Sherloc (09022015). Collection method: clinical testing. Allele origin: germline.
Comment: This variant has not been reported in the literature in individuals affected with IDH2-related conditions. In summary, the available evidence is currently insufficient to determine the role of this variant in disease. Therefore, it has been classified as a Variant of Uncertain Significance. Advanced modeling of protein sequence and biophysical properties (such as structural, functional, and spatial information, amino acid conservation, physicochemical variation, residue mobility, and thermodynamic stability) performed at Invitae indicates that this missense variant is not expected to disrupt IDH2 protein function. ClinVar contains an entry for this variant (Variation ID: 1043109). The frequency data for this variant in the population databases is considered unreliable, as metrics indicate poor data quality at this position in the gnomAD database. This sequence change replaces methionine, which is neutral and non-polar, with threonine, which is neutral and polar, at codon 221 of the IDH2 protein (p.Met221Thr).

GeneDx
Classification: Uncertain significance. Last evaluated: 2022-10-21. Review status: criteria provided, single submitter. Criteria: GeneDx Variant Classification Process June 2021. Collection method: clinical testing. Allele origin: germline. Affected: yes.
Comment: In silico analysis supports that this missense variant has a deleterious effect on protein structure/function; Has not been previously published as pathogenic or benign to our knowledge